The following is an entry in ClinVar:

NM_004456.5(EZH2):c.1763A>G (p.Asp588Gly)

Gene: EZH2 (enhancer of zeste 2 polycomb repressive complex 2 subunit; minus strand). Cytogenetic location: 7q36.1.
Variant type: single nucleotide variant.
Coding change: c.1763A>G on transcript NM_004456.5 (MANE Select); coding-DNA position 1763, A replaced by G.
Protein change: p.Asp588Gly; replaces aspartic acid 588 with glycine.
Molecular consequence: missense variant.
Genome position (GRCh38, 1-based): chr7:148,814,047, T>C on the plus strand (A>G on the coding strand, the complement: EZH2 is on the minus strand). VCF-style: chr7-148814047-T-C. GRCh37 (hg19) VCF-style: chr7-148511139-T-C.
Other names: c.1748A>G, p.Asp583Gly (NM_001203247.2); c.1721A>G, p.Asp574Gly (NM_001203248.2); c.1595A>G, p.Asp532Gly (NM_001203249.2); c.1631A>G, p.Asp544Gly (NM_152998.3); short protein forms D532G, D574G, D583G, D544G, D588G.
Identifiers: ClinVar variation 2718889 (VCV002718889.3), dbSNP rs1584909369, ClinGen allele CA369713441.

ClinVar aggregate classification (germline): Uncertain significance (1 of 4 stars; one submission).

Conditions:
Weaver syndrome (WVS). Also called: Weaver Smith syndrome; Overgrowth syndrome with accelerated skeletal maturation, unusual facies, and camptodactyly. Identifiers: Orphanet 3447, MedGen C0265210, MONDO:0010193, OMIM 277590.

Submission:

Labcorp Genetics (formerly Invitae), Labcorp
Classification: Uncertain significance for Weaver syndrome. Last evaluated: 2023-06-18. Review status: criteria provided, single submitter. Criteria: Invitae Variant Classification Sherloc (09022015). Collection method: clinical testing. Allele origin: germline.
Comment: This sequence change replaces aspartic acid, which is acidic and polar, with glycine, which is neutral and non-polar, at codon 588 of the EZH2 protein (p.Asp588Gly). This variant is not present in population databases (gnomAD no frequency). In summary, the available evidence is currently insufficient to determine the role of this variant in disease. Therefore, it has been classified as a Variant of Uncertain Significance. Advanced modeling of protein sequence and biophysical properties (such as structural, functional, and spatial information, amino acid conservation, physicochemical variation, residue mobility, and thermodynamic stability) performed at Invitae indicates that this missense variant is expected to disrupt EZH2 protein function. This variant has not been reported in the literature in individuals affected with EZH2-related conditions.